The following is an entry in ClinVar:

NM_000275.3(OCA2):c.578T>A (p.Leu193Ter)

Gene: OCA2 (OCA2 melanosomal transmembrane protein; minus strand). Cytogenetic location: 15q13.1.
Variant type: single nucleotide variant.
Coding change: c.578T>A on transcript NM_000275.3 (MANE Select); coding-DNA position 578, T replaced by A.
Protein change: p.Leu193Ter; replaces leucine 193 with a stop codon.
Molecular consequence: nonsense.
Genome position (GRCh38, 1-based): chr15:28,022,569, A>T on the plus strand (T>A on the coding strand, the complement: OCA2 is on the minus strand). VCF-style: chr15-28022569-A-T. GRCh37 (hg19) VCF-style: chr15-28267715-A-T.
Other names: c.578T>A, p.Leu193Ter (NM_001300984.2); short protein forms L193*.
Identifiers: ClinVar variation 5015717 (VCV005015717.1).
Genomic context (GRCh38, chr15:28,022,569, plus strand): 5'-TCCAGCGGTGATAAGGCCAACAGCTGCCAGAGCTTTCCTTGATCCGGATATAGGCTGAAC[A>T]AAATCTGTAACAATCAGAAACGTTGAATGACAGAGGTGTGGTATGAGAGCAGTAAGGTAT-3'

ClinVar aggregate classification (germline): Pathogenic (1 of 4 stars; one submission).

Conditions:
Tyrosinase-positive oculocutaneous albinism (OCA2). Also called: ALBINISM II; Oculocutaneous albinism type 2; Albinism, oculocutaneous, type II. Identifiers: Orphanet 79432, MedGen C0268495, MONDO:0008746, OMIM 203200.

gnomAD v4.1: 1 of 1,613,060 alleles (0.000062%); highest among the groups gnomAD compares: East Asian, 0.0022%; no homozygotes.

Submission:

Myriad Genetics, Inc.
Classification: Pathogenic for Tyrosinase-positive oculocutaneous albinism. Last evaluated: 2026-03-22. Review status: criteria provided, single submitter. Criteria: Myriad Autosomal Dominant, Autosomal Recessive and X-Linked Classification Criteria (2023). Collection method: clinical testing. Allele origin: unknown.
Comment: NM_000275.2(OCA2):c.578T>A(L193*) is expected to be pathogenic in the context of oculocutaneous albinism, OCA2-related. This variant is predicted to lead to an abnormal or absent protein product due to the creation of a premature termination codon in OCA2, a gene where loss-of-function variants are known to be pathogenic. Please note: this variant was assessed in the context of healthy population screening.